The following is an entry in ClinVar:

ClinVar aggregate classification (germline): Pathogenic. Review status: criteria provided, multiple submitters, no conflicts (2 of 4 stars). 3 submissions from 3 submitters: Pathogenic (2). 1 of the submissions does not count toward it. Last evaluated 2024-08-30.

Conditions:
Retinal dystrophy. Also called: Inherited retinal dystrophy. Identifiers: Orphanet 71862, MedGen C0854723, MeSH D058499, MONDO:0019118, HP:0000556.

gnomAD v4.1: 1 of 1,614,196 alleles (0.000062%); highest among the groups gnomAD compares: South Asian, 0.0011%; no homozygotes.

Submissions (3):

Labcorp Genetics (formerly Invitae), Labcorp
Classification: Pathogenic. Last evaluated: 2024-08-30. Review status: criteria provided, single submitter. Criteria: Invitae Variant Classification Sherloc (09022015). Collection method: clinical testing. Allele origin: germline.
Comment: This sequence change creates a premature translational stop signal (p.Gln625*) in the ABCA4 gene. It is expected to result in an absent or disrupted protein product. Loss-of-function variants in ABCA4 are known to be pathogenic (PMID: 10958761, 24938718, 25312043, 26780318). This variant is not present in population databases (gnomAD no frequency). This premature translational stop signal has been observed in individual(s) with inherited retinal dystrophy (PMID: 27208204). ClinVar contains an entry for this variant (Variation ID: 236515). For these reasons, this variant has been classified as Pathogenic.

Institute of Human Genetics, Univ. Regensburg, Univ. Regensburg
Classification: Pathogenic for Retinal dystrophy. Last evaluated: 2017-01-01. Review status: criteria provided, single submitter. Criteria: ACMG Guidelines, 2015. Collection method: clinical testing. Allele origin: germline. Affected: yes.

Centre for Genomic Medicine, Manchester, Central Manchester University Hospitals
Classification: Likely pathogenic for Retinal dystrophy. Review status: no assertion criteria provided. Collection method: clinical testing. Allele origin: germline. Affected: yes. Not counted in ClinVar's aggregate classification.

Literature cited by the submitters: PubMed 10958761 (cited by Labcorp Genetics (formerly Invitae), Labcorp); PubMed 24938718 (cited by Labcorp Genetics (formerly Invitae), Labcorp); PubMed 25312043 (cited by Labcorp Genetics (formerly Invitae), Labcorp); PubMed 26780318 (cited by Labcorp Genetics (formerly Invitae), Labcorp); PubMed 27208204 (cited by Labcorp Genetics (formerly Invitae), Labcorp and Institute of Human Genetics, Univ. Regensburg, Univ. Regensburg).

NM_000350.3(ABCA4):c.1873C>T (p.Gln625Ter)

Gene: ABCA4 (ATP binding cassette subfamily A member 4; minus strand). Cytogenetic location: 1p22.1.
Variant type: single nucleotide variant.
Coding change: c.1873C>T on transcript NM_000350.3 (MANE Select); coding-DNA position 1873, C replaced by T.
Protein change: p.Gln625Ter; replaces glutamine 625 with a stop codon.
Molecular consequence: nonsense.
Genome position (GRCh38, 1-based): chr1:94,062,641, G>A on the plus strand (C>T on the coding strand, the complement: ABCA4 is on the minus strand). VCF-style: chr1-94062641-G-A. GRCh37 (hg19) VCF-style: chr1-94528197-G-A.
Other names: c.1873C>T, p.Gln625Ter (NM_001425324.1); short protein forms Q625*.
Identifiers: ClinVar variation 236515 (VCV000236515.5), dbSNP rs878853396, ClinGen allele CA10581652.